The following is an entry in ClinVar:

ClinVar aggregate classification (germline): Uncertain significance (1 of 4 stars; one submission).

Submission:

GeneDx
Classification: Uncertain significance. Last evaluated: 2021-01-07. Review status: criteria provided, single submitter. Criteria: GeneDx Variant Classification Process June 2021. Collection method: clinical testing. Allele origin: germline. Affected: yes.
Comment: Not observed in large population cohorts (Lek et al., 2016); In silico analysis supports that this missense variant does not alter protein structure/function; Has not been previously published as pathogenic or benign to our knowledge

NM_001348768.2(HECW2):c.3694C>A (p.Gln1232Lys)

Gene: HECW2 (HECT, C2 and WW domain containing E3 ubiquitin protein ligase 2; minus strand). Cytogenetic location: 2q32.3.
Variant type: single nucleotide variant.
Coding change: c.3694C>A on transcript NM_001348768.2 (MANE Select); coding-DNA position 3694, C replaced by A.
Protein change: p.Gln1232Lys; replaces glutamine 1232 with lysine.
Molecular consequence: missense variant.
Genome position (GRCh38, 1-based): chr2:196,240,519, G>T on the plus strand (C>A on the coding strand, the complement: HECW2 is on the minus strand). VCF-style: chr2-196240519-G-T. GRCh37 (hg19) VCF-style: chr2-197105243-G-T.
Other names: c.2626C>A, p.Gln876Lys (NM_001304840.3); c.3694C>A, p.Gln1232Lys (NM_020760.4); short protein forms Q1232K, Q876K.
Identifiers: ClinVar variation 1302400 (VCV001302400.2), dbSNP rs1237939459, ClinGen allele CA349954112.